The following is an entry in ClinVar:

ClinVar aggregate classification (germline): Uncertain significance. Review status: criteria provided, multiple submitters, no conflicts (2 of 4 stars). 3 submissions from 3 submitters: Uncertain significance (2). 1 of the submissions does not count toward it. Last evaluated 2025-04-03.

Conditions:
Thyroid dyshormonogenesis 6 (TDH6). Also called: HYPOTHYROIDISM, CONGENITAL, DUE TO DYSHORMONOGENESIS, 6; Genetic transient congenital hypothyroidism; THYROID HORMONOGENESIS, GENETIC DEFECT IN, 6. Identifiers: Orphanet 226316, Orphanet 95716, MedGen C1846632, MONDO:0011792, OMIM 607200.

gnomAD v4.1: 4 of 1,613,812 alleles (0.00025%); no homozygotes.

Submissions (3):

Women's Health and Genetics/Laboratory Corporation of America, LabCorp
Classification: Uncertain significance. Last evaluated: 2025-04-03. Review status: criteria provided, single submitter. Criteria: LabCorp Variant Classification Summary - May 2015. Collection method: clinical testing. Allele origin: germline.
Comment: Variant summary: DUOX2 c.4080G>T (p.Lys1360Asn) results in a non-conservative amino acid change in the encoded protein sequence. Three of five in-silico tools predict a benign effect of the variant on protein function. Several computational tools predict a significant impact on normal splicing: Three predict the variant abolishes a 5' splicing donor site. However, these predictions have yet to be confirmed by functional studies. The variant allele was found at a frequency of 4e-06 in 250524 control chromosomes. The available data on variant occurrences in the general population are insufficient to allow any conclusion about variant significance. c.4080G>T has been reported in the literature in individuals affected with congenital primary hypothyroidism (example:Sorapipatcharoen_2020). These data do not allow any conclusion about variant significance. To our knowledge, no experimental evidence demonstrating an impact on protein function has been reported. The following publication has been ascertained in the context of this evaluation (PMID: 33310921). ClinVar contains an entry for this variant (Variation ID: 917856). Based on the evidence outlined above, the variant was classified as uncertain significance.

Labcorp Genetics (formerly Invitae), Labcorp
Classification: Uncertain significance. Last evaluated: 2024-03-01. Review status: criteria provided, single submitter. Criteria: Invitae Variant Classification Sherloc (09022015). Collection method: clinical testing. Allele origin: germline.
Comment: This sequence change replaces lysine, which is basic and polar, with asparagine, which is neutral and polar, at codon 1360 of the DUOX2 protein (p.Lys1360Asn). This variant also falls at the last nucleotide of exon 30, which is part of the consensus splice site for this exon. This variant is present in population databases (rs374891282, gnomAD 0.006%). This variant has not been reported in the literature in individuals affected with DUOX2-related conditions. ClinVar contains an entry for this variant (Variation ID: 917856). An algorithm developed to predict the effect of missense changes on protein structure and function (PolyPhen-2) suggests that this variant is likely to be disruptive. Variants that disrupt the consensus splice site are a relatively common cause of aberrant splicing (PMID: 17576681, 9536098). Algorithms developed to predict the effect of sequence changes on RNA splicing suggest that this variant may disrupt the consensus splice site. In summary, the available evidence is currently insufficient to determine the role of this variant in disease. Therefore, it has been classified as a Variant of Uncertain Significance.

Department of Pediatrics, Division of Medical Genetics, Faculty of Medicine Ramathibodi Hospital, Mahidol University
Classification: Likely pathogenic for Thyroid dyshormonogenesis 6. Last evaluated: 2020-05-14. Review status: no assertion criteria provided. Collection method: research. Allele origin: germline. Inheritance: Autosomal recessive inheritance. Affected: yes. Observed: 1 compound heterozygote. Not counted in ClinVar's aggregate classification.

Literature cited by the submitters: PubMed 33310921 (cited by Women's Health and Genetics/Laboratory Corporation of America, LabCorp); PubMed 17576681 (cited by Labcorp Genetics (formerly Invitae), Labcorp); PubMed 9536098 (cited by Labcorp Genetics (formerly Invitae), Labcorp).

NM_001363711.2(DUOX2):c.4080G>T (p.Lys1360Asn)

Gene: DUOX2 (dual oxidase 2; minus strand). Cytogenetic location: 15q21.1.
Variant type: single nucleotide variant.
Coding change: c.4080G>T on transcript NM_001363711.2 (MANE Select); coding-DNA position 4080, G replaced by T.
Protein change: p.Lys1360Asn; replaces lysine 1360 with asparagine.
Molecular consequence: missense variant.
Genome position (GRCh38, 1-based): chr15:45,095,828, C>A on the plus strand (G>T on the coding strand, the complement: DUOX2 is on the minus strand). VCF-style: chr15-45095828-C-A. GRCh37 (hg19) VCF-style: chr15-45388026-C-A.
Other names: c.4080G>T, p.Lys1360Asn (NM_014080.5); short protein forms K1360N.
Identifiers: ClinVar variation 917856 (VCV000917856.11), dbSNP rs374891282, ClinGen allele CA7537654.